The following is an entry in ClinVar:

ClinVar aggregate classification (germline): Uncertain significance (1 of 4 stars; one submission).

Conditions:
Inborn genetic diseases. Identifiers: MedGen C0950123, MeSH D030342.

gnomAD v4.1: 1 of 1,614,198 alleles (0.000062%); highest among the groups gnomAD compares: Admixed American, 0.0017%; no homozygotes.

Submission:

Ambry Genetics
Classification: Uncertain significance for Inborn genetic diseases. Last evaluated: 2025-11-18. Review status: criteria provided, single submitter. Criteria: Ambry Variant Classification Scheme 2023. Collection method: clinical testing. Allele origin: germline.
Comment: The p.T147I variant (also known as c.440C>T), located in coding exon 6 of the DDX41 gene, results from a C to T substitution at nucleotide position 440. The threonine at codon 147 is replaced by isoleucine, an amino acid with similar properties. This amino acid position is conserved. In addition, this alteration is predicted to be tolerated by in silico analysis. Based on the available evidence, the clinical significance of this variant remains unclear.

NM_016222.4(DDX41):c.440C>T (p.Thr147Ile)

Gene: DDX41 (DEAD-box helicase 41; minus strand). Cytogenetic location: 5q35.3.
Variant type: single nucleotide variant.
Coding change: c.440C>T on transcript NM_016222.4 (MANE Select); coding-DNA position 440, C replaced by T.
Protein change: p.Thr147Ile; replaces threonine 147 with isoleucine.
Molecular consequence: missense variant.
Genome position (GRCh38, 1-based): chr5:177,515,816, G>A on the plus strand (C>T on the coding strand, the complement: DDX41 is on the minus strand). VCF-style: chr5-177515816-G-A. GRCh37 (hg19) VCF-style: chr5-176942817-G-A.
Other names: c.62C>T, p.Thr21Ile (NM_001321732.2, NM_001321830.2); short protein forms T147I, T21I.
Identifiers: ClinVar variation 4617203 (VCV004617203.1).
Genomic context (GRCh38, chr5:177,515,816, plus strand): 5'-TATTTCTTCCGCACGCGCTCATGTCGCTCTTCAGACATGCTCAGAACATAACGGGGTGGA[G>A]TCCAGCTGTGGATGGGTAACAGGGATCAAGAGAGCCCTGGGAATAGCTGGCCTGGGAGCA-3'
Protein context (NP_057306.2, residues 137-157): TYDDPIKTSW[Thr147Ile]PPRYVLSMSE